The following is an entry in ClinVar:

NM_015335.5(MED13L):c.531_542del (p.Cys178_Val181del)

Gene: MED13L (mediator complex subunit 13L; minus strand). Cytogenetic location: 12q24.21.
Variant type: Deletion.
Coding change: c.531_542del on transcript NM_015335.5 (MANE Select); coding-DNA positions 531 to 542, 12 bases deleted (ATGCACAAGTGT).
Protein change: p.Cys178_Val181del.
Genome position (GRCh38, 1-based): chr12:116,022,539-116,022,550, ACACTTGTGCAT deleted on the plus strand (ATGCACAAGTGT on the coding strand, the reverse complement: MED13L is on the minus strand); deleting any 12 consecutive bases within chr12:116,022,539-116,022,553 gives the same sequence; the c. name uses the placement nearest the transcript's 3' end. VCF-style (leftmost placement, unchanged base first): chr12-116022538-CACACTTGTGCAT-C. GRCh37 (hg19) VCF-style: chr12-116460343-CACACTTGTGCAT-C.
Other names: c.531_542del; g.116022538del; p.Cys178_Val181del.
Identifiers: ClinVar variation 4077007 (VCV004077007.1).

ClinVar aggregate classification (germline): Likely pathogenic (1 of 4 stars; one submission).

Conditions:
Cardiac anomalies - developmental delay - facial dysmorphism syndrome (MRFACD). Also called: Impaired intellectual development and distinctive facial features with or without cardiac defects; MED13L Syndrome. Identifiers: Orphanet 369891, MedGen C5192431, MONDO:0014773, OMIM 616789.

Submission:

Centro Nacional de Genética Medica, Administración Nacional de Laboratorios e Institutos de Salud (ANLIS) “Dr. Carlos G Malbrán”
Classification: Likely pathogenic for Cardiac anomalies - developmental delay - facial dysmorphism syndrome. Last evaluated: 2025-08-01. Review status: criteria provided, single submitter. Criteria: ACMG Guidelines, 2015. Collection method: research. Allele origin: germline. Affected: yes.
Comment: MED13L is a gene curated by ClinGen as haploinsufficient and 193 pathogenic variants associated with loss of function are registered in GnomAD. At the protein level, this deletion would result in the absence of four amino acids in a reading frame (in frame) domain called Med13_N. From 2,210 residues, MED13L now has 2,206 residues (PM4). This domain is located in the N-terminal region of the protein and is a highly conserved domain whose functionality is currently undefined (PM1). The variant found is not present in population databases such as GnomAD, ExAc, or 1000 Genomes (PM2_Supporting). Based on the above is classified as probably pathogenic (PM1, PM4, PM2_Supporting, PM6_Supporting).